The following is an entry in ClinVar:

ClinVar aggregate classification (germline): Uncertain significance. Review status: criteria provided, multiple submitters, no conflicts (2 of 4 stars). 3 submissions from 3 submitters: Uncertain significance (3). Last evaluated 2025-11-05.

Conditions:
Bardet-Biedl syndrome (BBS). Identifiers: Orphanet 110, MedGen C0752166, MONDO:0015229.
BBS2-related disorder. Also called: BBS2-related condition; BBS2-related disorders. Identifiers: MedGen CN239228.
Inborn genetic diseases. Identifiers: MedGen C0950123, MeSH D030342.

Allele frequency attached by ClinVar (database versions not stated): TOPMed below 0.00001; gnomAD 0.00001; ExAC 0.00002; gnomAD exomes 0.00002.
gnomAD v4.1: 31 of 1,613,834 alleles (0.0019%); highest among the groups gnomAD compares: African/African-American, 0.004%; no homozygotes.

Submissions (3):

PreventionGenetics, part of Exact Sciences
Classification: Uncertain significance for BBS2-related condition. Last evaluated: 2025-11-05. Review status: criteria provided, single submitter. Criteria: ACMG Guidelines, 2015. Collection method: clinical testing. Allele origin: germline.
Comment: The BBS2 c.1943A>G variant is predicted to result in the amino acid substitution p.Tyr648Cys. This variant has been reported in the heterozygous state in two individuals with severe obesity (Day et al. 2021. PubMed ID: 33616283, Table 1). This variant is reported in 0.0080% of alleles in individuals of African descent in gnomAD. At this time, the clinical significance of this variant is uncertain due to the absence of conclusive functional and genetic evidence.

Labcorp Genetics (formerly Invitae), Labcorp
Classification: Uncertain significance for Bardet-Biedl syndrome. Last evaluated: 2022-06-29. Review status: criteria provided, single submitter. Criteria: Invitae Variant Classification Sherloc (09022015). Collection method: clinical testing. Allele origin: germline.
Comment: This sequence change replaces tyrosine, which is neutral and polar, with cysteine, which is neutral and slightly polar, at codon 648 of the BBS2 protein (p.Tyr648Cys). This variant is present in population databases (rs758343294, gnomAD 0.008%). This variant has not been reported in the literature in individuals affected with BBS2-related conditions. Algorithms developed to predict the effect of missense changes on protein structure and function (SIFT, PolyPhen-2, Align-GVGD) all suggest that this variant is likely to be disruptive. In summary, the available evidence is currently insufficient to determine the role of this variant in disease. Therefore, it has been classified as a Variant of Uncertain Significance.

Ambry Genetics
Classification: Uncertain significance for Inborn genetic diseases. Last evaluated: 2022-06-17. Review status: criteria provided, single submitter. Criteria: Ambry Variant Classification Scheme 2023. Collection method: clinical testing. Allele origin: germline.

NM_031885.5(BBS2):c.1943A>G (p.Tyr648Cys)

Gene: BBS2 (Bardet-Biedl syndrome 2; minus strand). Cytogenetic location: 16q13.
Variant type: single nucleotide variant.
Coding change: c.1943A>G on transcript NM_031885.5 (MANE Select); coding-DNA position 1943, A replaced by G.
Protein change: p.Tyr648Cys; replaces tyrosine 648 with cysteine.
Molecular consequence: missense variant. On other transcripts: non-coding transcript variant (5).
Genome position (GRCh38, 1-based): chr16:56,485,706, T>C on the plus strand (A>G on the coding strand, the complement: BBS2 is on the minus strand). VCF-style: chr16-56485706-T-C. GRCh37 (hg19) VCF-style: chr16-56519618-T-C.
Other names: c.1943A>G, p.Tyr648Cys (NM_001377456.1); short protein forms Y648C.
Identifiers: ClinVar variation 2079950 (VCV002079950.5), dbSNP rs758343294, ClinGen allele CA8065572.